The following is an entry in ClinVar:

NM_000038.6(APC):c.7175C>A (p.Pro2392Gln)

Gene: APC (APC regulator of Wnt signaling pathway; plus strand). Cytogenetic location: 5q22.2.
Variant type: single nucleotide variant.
Coding change: c.7175C>A on transcript NM_000038.6 (MANE Select); coding-DNA position 7175, C replaced by A.
Protein change: p.Pro2392Gln; replaces proline 2392 with glutamine.
Molecular consequence: missense variant.
Genome position (GRCh38, 1-based): chr5:112,842,769, C>A. VCF-style: chr5-112842769-C-A. GRCh37 (hg19) VCF-style: chr5-112178466-C-A.
Other names: c.7175C>A, p.Pro2392Gln (NM_001127510.3, NM_001354895.2); c.7121C>A, p.Pro2374Gln (NM_001127511.3); c.7229C>A, p.Pro2410Gln (NM_001354896.2); c.7205C>A, p.Pro2402Gln (NM_001354897.2); c.7100C>A, p.Pro2367Gln (NM_001354898.2); c.7091C>A, p.Pro2364Gln (NM_001354899.2); c.7052C>A, p.Pro2351Gln (NM_001354900.2); c.6998C>A, p.Pro2333Gln (NM_001354901.2); and 5 more; short protein forms P2374Q, P2392Q, P2291Q, P2364Q, P2402Q, P2232Q, P2301Q, P2109Q.
Identifiers: ClinVar variation 470083 (VCV000470083.20), dbSNP rs1554088107, ClinGen allele CA16036957.

ClinVar aggregate classification (germline): Uncertain significance. Review status: criteria provided, multiple submitters, no conflicts (2 of 4 stars). 5 submissions from 5 submitters: Uncertain significance (5). Last evaluated 2025-12-17.

Conditions:
Hereditary cancer-predisposing syndrome. Also called: Neoplastic Syndromes, Hereditary; Tumor predisposition; Hereditary neoplastic syndrome; Hereditary Cancer Syndrome. Identifiers: Orphanet 140162, MedGen C0027672, MeSH D009386, MONDO:0015356.
Familial adenomatous polyposis 1 (FAP1). Also called: FAMILIAL ADENOMATOUS POLYPOSIS 1, ATTENUATED; POLYPOSIS, ADENOMATOUS INTESTINAL. Identifiers: MedGen C2713442, MONDO:0021056, OMIM 175100. Disease mechanism: loss of function.
Classic or attenuated familial adenomatous polyposis. Identifiers: MedGen CN372698, MONDO:0021057.

Allele frequency attached by ClinVar (database versions not stated): gnomAD exomes below 0.00001.
gnomAD v4.1: 1 of 1,613,896 alleles (0.000062%); highest among the groups gnomAD compares: Non-Finnish European, 0.000085%; no homozygotes.

Submissions (5):

Ambry Genetics
Classification: Uncertain significance for Hereditary cancer-predisposing syndrome. Last evaluated: 2025-12-17. Review status: criteria provided, single submitter. Criteria: Ambry Variant Classification Scheme 2023. Collection method: clinical testing. Allele origin: germline.
Comment: The p.P2392Q variant (also known as c.7175C>A), located in coding exon 15 of the APC gene, results from a C to A substitution at nucleotide position 7175. The proline at codon 2392 is replaced by glutamine, an amino acid with similar properties. This amino acid position is well conserved in available vertebrate species. In addition, in silico predictors for this gene do not accurately predict pathogenicity. Missense variants in APC are not a common cause of disease (Spier I et al. Genet Med. 2024 Feb;26(2):100992). Based on the available evidence, the clinical significance of this variant remains unclear.

Labcorp Genetics (formerly Invitae), Labcorp
Classification: Uncertain significance for Familial adenomatous polyposis 1. Last evaluated: 2025-12-02. Review status: criteria provided, single submitter. Criteria: Invitae Variant Classification Sherloc (09022015). Collection method: clinical testing. Allele origin: germline.
Comment: This sequence change replaces proline, which is neutral and non-polar, with glutamine, which is neutral and polar, at codon 2392 of the APC protein (p.Pro2392Gln). This variant is not present in population databases (gnomAD no frequency). This variant has not been reported in the literature in individuals affected with APC-related conditions. ClinVar contains an entry for this variant (Variation ID: 470083). Invitae Evidence Modeling of protein sequence and biophysical properties (such as structural, functional, and spatial information, amino acid conservation, physicochemical variation, residue mobility, and thermodynamic stability) indicates that this missense variant is not expected to disrupt APC protein function with a negative predictive value of 95%. In summary, the available evidence is currently insufficient to determine the role of this variant in disease. Therefore, it has been classified as a Variant of Uncertain Significance.

GeneDx
Classification: Uncertain significance. Last evaluated: 2025-07-01. Review status: criteria provided, single submitter. Criteria: GeneDx Variant Classification Process June 2021. Collection method: clinical testing. Allele origin: germline. Affected: yes.
Comment: Not observed at significant frequency in large population cohorts (gnomAD); In silico analysis supports that this missense variant has a deleterious effect on protein structure/function; Has not been previously published as pathogenic or benign to our knowledge; This variant is associated with the following publications: (PMID: 18199528)

Quest Diagnostics Nichols Institute San Juan Capistrano
Classification: Uncertain significance. Last evaluated: 2023-11-10. Review status: criteria provided, single submitter. Criteria: Quest Diagnostics criteria. Collection method: clinical testing. Allele origin: unknown.
Comment: The APC c.7175C>A (p.Pro2392Gln) variant has not been reported in individuals with APC-related conditions in the published literature. It also has not been reported in large, multi-ethnic general populations (Genome Aggregation Database). Analysis of this variant using bioinformatics tools for the prediction of the effect of amino acid changes on protein structure and function yielded predictions that this variant is damaging. Based on the available information, we are unable to determine the clinical significance of this variant.

All of Us Research Program, National Institutes of Health
Classification: Uncertain significance for Classic or attenuated familial adenomatous polyposis. Last evaluated: 2023-10-02. Review status: criteria provided, single submitter. Criteria: ACMG Guidelines, 2015. Collection method: clinical testing. Allele origin: germline. Inheritance: Autosomal dominant inheritance. Observed: 2 variant alleles, 2 heterozygotes.
Comment: This missense variant replaces proline with glutamine at codon 2392 of the APC protein. Computational prediction suggests that this variant may not impact protein structure and function (internally defined REVEL score threshold <= 0.5, PMID: 27666373). To our knowledge, functional studies have not been reported for this variant. This variant has not been reported in individuals affected with APC-related disorders in the literature. This variant has not been identified in the general population by the Genome Aggregation Database (gnomAD). The available evidence is insufficient to determine the role of this variant in disease conclusively. Therefore, this variant is classified as a Variant of Uncertain Significance.

This study involves interpretation of variants in research participants for the purpose of population health screening. Participant phenotype was not available at the time of variant classification. Additional details can be found in publication PMID: 35346344, PMCID: PMC8962531